The following is an entry in ClinVar:

ClinVar aggregate classification (germline): Pathogenic. Review status: reviewed by expert panel (3 of 4 stars). 17 submissions from 17 submitters: Pathogenic (1). 16 of the submissions do not count toward it. Last evaluated 2024-02-27.

Conditions:
Usher syndrome. Also called: Usher Syndromes; Usher's syndrome. Identifiers: Orphanet 886, MedGen CN469326, MeSH D052245, MONDO:0019501. Disease mechanism: loss of function.
USH2A-related disorder. Also called: USH2A-related condition; USH2A-related disorders. Identifiers: MedGen CN239332.
Retinal dystrophy. Also called: Inherited retinal dystrophy. Identifiers: Orphanet 71862, MedGen C0854723, MeSH D058499, MONDO:0019118, HP:0000556.
Usher syndrome type 2A. Also called: USHER SYNDROME, TYPE IIA; RETINAL DISEASE IN USHER SYNDROME TYPE IIA, MODIFIER OF. Identifiers: Orphanet 231178, Orphanet 886, MedGen C1848634, MONDO:0010169, OMIM 276901.
Retinitis pigmentosa 39 (RP39). Identifiers: Orphanet 791, MedGen C3151138, MONDO:0013436, OMIM 613809.
Retinitis pigmentosa (RP). Identifiers: Orphanet 791, MedGen C0035334, MeSH D012174, MONDO:0019200, OMIM 268000. Inheritance: Autosomal dominant, autosomal recessive and X linked inheritance.

Allele frequency attached by ClinVar (database versions not stated): gnomAD below 0.00001 and 0.00001; TOPMed below 0.00001; gnomAD exomes 0.00004 and 0.00005; ExAC 0.00006.
gnomAD v4.1: 51 of 1,613,148 alleles (0.0032%); highest among the groups gnomAD compares: South Asian, 0.056%; no homozygotes.

Submissions 1 to 11 of 17:

ClinGen Hearing Loss Variant Curation Expert Panel
Classification: Pathogenic for Retinal dystrophy. Last evaluated: 2024-02-27. Review status: reviewed by expert panel. Criteria: Clingen Hl Acmg Specifications Cdh23 Coch Gjb2 Kcnq4 Myo6 Myo7a Slc26a4 Tecta Ush2a V2. Collection method: curation. Allele origin: germline. Inheritance: Autosomal recessive inheritance.
Comment: The c.5012G>A variant in USH2A is a missense variant predicted to cause substitution of glycine by aspartic acid at amino acid 1671 (p.Gly1671Asp). The highest population minor allele frequency in gnomAD v4 is 0.04% (51/91074 alleles) in the South Asian population (PM2_Supporting, BS1, and BA1 are not met). The computational predictor REVEL gives a score of 0.906, which is above the threshold of 0.7, evidence that correlates with impact to USH2A function (PP3). This variant has been detected in at least 10 individuals with retinitis pigmentosa or inherited retinal disease. Of those individuals, 9 were homozygous and 1 was compound heterozygous for the variant and a pathogenic or likely pathogenic variant with phase unknown (c.4251+1G>T, 5 PM3 points, PMID:26667666, 32581362, 33749171, 38219857, PM3_VeryStrong). Internal evidence from one laboratory indicates that this variant has been observed in trans with a likely pathogenic missense variant in an individual with optic neuropathy, night blindness, and sensorineural hearing loss and homozygous in one individual with hearing loss and hyperopia (Personal communication, SCV001789135.4). This suggests that there may be phenotypic variability with some individuals presenting with isolated retinal dystrophy, and some presenting with hearing loss and signs and/or symptoms of retinal dystrophy. Of note, many of these individuals were of South Asian ancestry, consistent with the population evidence from gnomAD (PMID:38219857). The variant has been reported to segregate with inherited retinal disease in 3 affected family members from 2 families (PP1_Strong; PMID: 38219857). In summary, this variant meets the criteria to be classified as Pathogenic for autosomal recessive USH2A-related inherited retinal dystrophy based on the ACMG/AMP criteria applied, as specified by the ClinGen Hearing Loss VCEP: PP3, PM3_VeryStrong, PP1_Strong. (ClinGen Hearing Loss VCEP specifications version 2, 02.27.2024).

PreventionGenetics, part of Exact Sciences
Classification: Pathogenic for USH2A-related condition. Last evaluated: 2026-09-10. Review status: criteria provided, single submitter. Criteria: ACMG Guidelines, 2015. Collection method: clinical testing. Allele origin: germline. Not counted in ClinVar's aggregate classification.
Comment: The USH2A c.5012G>A variant is predicted to result in the amino acid substitution p.Gly1671Asp. This variant has been reported in the homozygous or compound heterozygous states in individuals with retinitis pigmentosa (see for example: Ge et al. 2015. PubMed ID: 26667666; Table S2, Carss et al. 2017. PubMed ID: 28041643; Table S2, Sharon et al. 2020. PubMed ID: 31456290). This variant is reported in 0.039% of alleles in individuals of South Asian descent in gnomAD. This variant was curated by the ClinGen Hearing Loss Variant Curation Expert Panel and found to be pathogenic. This variant is interpreted as pathogenic.

Labcorp Genetics (formerly Invitae), Labcorp
Classification: Pathogenic. Last evaluated: 2026-01-27. Review status: criteria provided, single submitter. Criteria: Invitae Variant Classification Sherloc (09022015). Collection method: clinical testing. Allele origin: germline. Not counted in ClinVar's aggregate classification.
Comment: This sequence change replaces glycine, which is neutral and non-polar, with aspartic acid, which is acidic and polar, at codon 1671 of the USH2A protein (p.Gly1671Asp). This variant is present in population databases (rs727505116, gnomAD 0.04%). This missense change has been observed in individuals with retinitis pigmentosa (PMID: 26667666, 28041643, 32581362). ClinVar contains an entry for this variant (Variation ID: 179773). Invitae Evidence Modeling of protein sequence and biophysical properties (such as structural, functional, and spatial information, amino acid conservation, physicochemical variation, residue mobility, and thermodynamic stability) indicates that this missense variant is expected to disrupt USH2A protein function with a positive predictive value of 95%. For these reasons, this variant has been classified as Pathogenic.

Natera, Inc.
Classification: Likely pathogenic for Usher syndrome type 2A. Last evaluated: 2025-06-20. Review status: criteria provided, single submitter. Criteria: Natera Variant Classification Schema (03/2026). Collection method: clinical testing. Allele origin: germline. Not counted in ClinVar's aggregate classification.
Comment: The c.5012G>A variant in USH2A is a missense variant predicted to cause substitution of glycine to aspartic acid at amino acid 1671. This variant is rare in the general population with a frequency below the threshold expected for the associated phenotype(s). This variant has been observed in one or more individuals affected with the associated recessive disease, as either homozygous or compound heterozygous with a second variant (PMID: 26667666, 33749171, 32581362, 31816670). A different variant at the same position has been determined to be Pathogenic or Likely Pathogenic. Computational prediction algorithms indicate this variant is likely to affect gene or protein function. Given the available evidence, this variant is classified as Likely Pathogenic.

SingHealth Duke-NUS Institute of Precision Medicine
Classification: Likely pathogenic for Retinitis pigmentosa 39. Last evaluated: 2025-02-05. Review status: criteria provided, single submitter. Criteria: PRISM ACMG Classification Criteria. Collection method: clinical testing. Allele origin: germline. Affected: yes. Not counted in ClinVar's aggregate classification.
Comment: Variant is located in a mutational hotspot where >50% of variants are pathogenic (PM1). Homozygous allele count in gnomAD exomes and genomes are less than 0 (PM2). Other variant at this amino acid residue has been classified as pathogenic (PM5, p.Gly1671Val). REVEL score is 0.906 (PP3_mod)

Myriad Genetics, Inc.
Classification: Likely pathogenic for USH2A-related disorder. Last evaluated: 2025-01-07. Review status: criteria provided, single submitter. Criteria: Myriad Autosomal Dominant, Autosomal Recessive and X-Linked Classification Criteria (2023). Collection method: clinical testing. Allele origin: unknown. Not counted in ClinVar's aggregate classification.
Comment: NM_206933.2(USH2A):c.5012G>A(G1671D) is a missense variant classified as likely pathogenic in the context of USH2A-related disorders. G1671D has been observed in cases with relevant disease (PMID: 28041643, 26667666, 32340307, 31816670). Relevant functional assessments of this variant are not available in the literature. G1671D has been observed in referenced population frequency databases. In summary, NM_206933.2(USH2A):c.5012G>A(G1671D) is a missense variant that has been observed more frequently in cases with the relevant disease than in healthy populations. Please note: this variant was assessed in the context of healthy population screening.

Blueprint Genetics
Classification: Pathogenic for USH2A-related disorders. Last evaluated: 2024-11-13. Review status: criteria provided, single submitter. Criteria: ACMG Guidelines, 2015. Collection method: clinical testing. Allele origin: germline. Affected: yes. Observed: 5 variant alleles. Not counted in ClinVar's aggregate classification.

Revvity Omics, Revvity
Classification: Pathogenic. Last evaluated: 2024-09-27. Review status: criteria provided, single submitter. Criteria: ACMG Guidelines, 2015. Collection method: clinical testing. Allele origin: germline. Not counted in ClinVar's aggregate classification.

GeneDx
Classification: Pathogenic. Last evaluated: 2024-08-19. Review status: criteria provided, single submitter. Criteria: GeneDx Variant Classification Process June 2021. Collection method: clinical testing. Allele origin: germline. Affected: yes. Not counted in ClinVar's aggregate classification.
Comment: In silico analysis supports that this missense variant has a deleterious effect on protein structure/function; This variant is associated with the following publications: (PMID: 22135276, 26667666, 28041643, 32637036, 31456290, 31964843, 32581362, 34426522, 31816670, 32176120, 33749171, 38219857)

Fulgent Genetics
Classification: Likely pathogenic for Usher syndrome type 2A; Retinitis pigmentosa 39. Last evaluated: 2024-05-21. Review status: criteria provided, single submitter. Criteria: ACMG Guidelines, 2015. Collection method: clinical testing. Allele origin: germline. Not counted in ClinVar's aggregate classification.

Baylor Genetics
Classification: Likely pathogenic for Retinitis pigmentosa 39. Last evaluated: 2024-03-28. Review status: criteria provided, single submitter. Criteria: ACMG Guidelines, 2015. Collection method: clinical testing. Allele origin: unknown. Not counted in ClinVar's aggregate classification.

NM_206933.4(USH2A):c.5012G>A (p.Gly1671Asp)

Genes: USH2A (usherin; minus strand), USH2A-AS2 (USH2A antisense RNA 2; plus strand). Cytogenetic location: 1q41.
Variant type: single nucleotide variant.
Coding change: c.5012G>A on transcript NM_206933.4 (MANE Select); coding-DNA position 5012, G replaced by A.
Protein change: p.Gly1671Asp; replaces glycine 1671 with aspartic acid.
Molecular consequence: missense variant.
Genome position (GRCh38, 1-based): chr1:216,084,853, C>T on the plus strand (G>A on the coding strand, the complement: USH2A is on the minus strand). VCF-style: chr1-216084853-C-T. GRCh37 (hg19) VCF-style: chr1-216258195-C-T.
Other names: c.5012G>A (NM_206933.3, NM_206933.3); short protein forms G1671D.
Identifiers: ClinVar variation 179773 (VCV000179773.59), dbSNP rs727505116, ClinGen allele CA185105.